The following is an entry in ClinVar:

NM_024747.6(HPS6):c.494T>C (p.Val165Ala)

Gene: HPS6 (HPS6 biogenesis of lysosomal organelles complex 2 subunit 3; plus strand). Cytogenetic location: 10q24.32.
Variant type: single nucleotide variant.
Coding change: c.494T>C on transcript NM_024747.6 (MANE Select); coding-DNA position 494, T replaced by C.
Protein change: p.Val165Ala; replaces valine 165 with alanine.
Molecular consequence: missense variant.
Genome position (GRCh38, 1-based): chr10:102,065,968, T>C. VCF-style: chr10-102065968-T-C. GRCh37 (hg19) VCF-style: chr10-103825725-T-C.
Other names: short protein forms V165A.
Identifiers: ClinVar variation 2633370 (VCV002633370.1), dbSNP rs2540986738, ClinGen allele CA377857716.

ClinVar aggregate classification (germline): Uncertain significance (1 of 4 stars; one submission).

Conditions:
HPS6-related disorder. Also called: HPS6-related condition.

Submission:

PreventionGenetics, part of Exact Sciences
Classification: Uncertain significance for HPS6-related condition. Last evaluated: 2023-04-10. Review status: criteria provided, single submitter. Criteria: ACMG Guidelines, 2015. Collection method: clinical testing. Allele origin: germline.
Comment: The HPS6 c.494T>C variant is predicted to result in the amino acid substitution p.Val165Ala. To our knowledge, this variant has not been reported in the literature or in a large population database, indicating this variant is rare. At this time, the clinical significance of this variant is uncertain due to the absence of conclusive functional and genetic evidence.